The following is an entry in ClinVar:

ClinVar aggregate classification (germline): Conflicting classifications of pathogenicity. Review status: criteria provided, conflicting classifications (1 of 4 stars). 2 submissions from 2 submitters: Uncertain significance (1); Benign (1). Last evaluated 2018-01-12.

Conditions:
Maturity-onset diabetes of the young (MODY). Also called: Maturity onset diabetes mellitus in young. Identifiers: Orphanet 552, MedGen C0342276, MONDO:0018911, HP:0004904.
Renal cysts and diabetes syndrome (RCAD). Also called: Familial hypoplastic, glomerulocystic kidney; MATURITY-ONSET DIABETES OF THE YOUNG, TYPE 5. Identifiers: Orphanet 93111, MedGen C0431693, MONDO:0007669, OMIM 137920.

Allele frequency attached by ClinVar (database versions not stated): gnomAD below 0.00001 and 0.00011; TOPMed 0.00001; 1000 Genomes Project 30x 0.00062; 1000 Genomes Project 0.00080.

Submissions (2):

Illumina Laboratory Services, Illumina
Classification: Benign for Renal cysts and diabetes syndrome. Last evaluated: 2018-01-12. Review status: criteria provided, single submitter. Criteria: ICSL Variant Classification Criteria 13 December 2019. Collection method: clinical testing. Allele origin: germline.
Comment: This variant was observed in the ICSL laboratory as part of a predisposition screen in an ostensibly healthy population. It had not been previously curated by ICSL or reported in the Human Gene Mutation Database (HGMD: prior to June 1st, 2018), and was therefore a candidate for classification through an automated scoring system. Utilizing variant allele frequency, disease prevalence and penetrance estimates, and inheritance mode, an automated score was calculated to assess if this variant is too frequent to cause the disease. Based on the score and internal cut-off values, a variant classified as benign is not then subjected to further curation. The score for this variant resulted in a classification of benign for this disease.

Clinical Genomics, Uppaluri K&H Personalized Medicine Clinic
Classification: Uncertain significance for Maturity-onset diabetes of the young. Review status: criteria provided, single submitter. Criteria: K & H Uppaluri Personalized Medicine Clinic Variant Classification & Assertion Criteria_Updated V.1. Collection method: research. Allele origin: unknown. Inheritance: Autosomal dominant inheritance.
Comment: HNF1B gene mutations are associated with early onset diabetes and pancreatic atrophy. It is also associated with multiple renal manifestations including renal cysts, Tubulointerstitial disease, glomerulocystic disease, renal hypoplasia, hypomagnesemia. However no sufficient evidence is found to ascertain the role of this particular variant rs574000398, yet.

Literature cited by the submitters: PubMed 24897035 (cited by Clinical Genomics, Uppaluri K&H Personalized Medicine Clinic); PubMed 25536396 (cited by Clinical Genomics, Uppaluri K&H Personalized Medicine Clinic); PubMed 27615128 (cited by Clinical Genomics, Uppaluri K&H Personalized Medicine Clinic); PubMed 28215227 (cited by Clinical Genomics, Uppaluri K&H Personalized Medicine Clinic); PubMed 33434175 (cited by Clinical Genomics, Uppaluri K&H Personalized Medicine Clinic); PubMed 25741167 (cited by Clinical Genomics, Uppaluri K&H Personalized Medicine Clinic); PubMed 26340261 (cited by Clinical Genomics, Uppaluri K&H Personalized Medicine Clinic); PubMed 19639018 (cited by Clinical Genomics, Uppaluri K&H Personalized Medicine Clinic).

NM_000458.4(HNF1B):c.*938A>G

Gene: HNF1B (HNF1 homeobox B; minus strand). Cytogenetic location: 17q12.
Variant type: single nucleotide variant.
Coding change: c.*938A>G on transcript NM_000458.4 (MANE Select); 938 bases downstream of the stop codon, A replaced by G.
Molecular consequence: 3 prime UTR variant.
Genome position (GRCh38, 1-based): chr17:37,686,434, T>C on the plus strand (A>G on the coding strand, the complement: HNF1B is on the minus strand). VCF-style: chr17-37686434-T-C. GRCh37 (hg19) VCF-style: chr17-36046437-T-C.
Other names: c.*938A>G (NM_001165923.4); c.*846A>G (NM_001304286.2).
Identifiers: ClinVar variation 322926 (VCV000322926.6), dbSNP rs574000398, ClinGen allele CA10639516.
Genomic context (GRCh38, chr17:37,686,434, plus strand): 5'-GTTCTCGGTGGAACCATGGCAGGGAAAGTATCAGAGACAGAAATATGAGACTCTGGGTAG[T>C]GATAAAATAAATTGTTTTAATGGAAGGCTTTCTGAGACTGCAACTTTTTCTTCTGCTATC-3'